The following is an entry in ClinVar:

ClinVar aggregate classification (germline): Uncertain significance (1 of 4 stars; one submission).

Submission:

GeneDx
Classification: Uncertain significance. Last evaluated: 2024-08-21. Review status: criteria provided, single submitter. Criteria: GeneDx Variant Classification Process June 2021. Collection method: clinical testing. Allele origin: germline. Affected: yes.
Comment: Not observed at significant frequency in large population cohorts (gnomAD); In silico analysis indicates that this missense variant does not alter protein structure/function; Has not been previously published as pathogenic or benign to our knowledge

NM_015057.5(MYCBP2):c.5539A>T (p.Met1847Leu)

Gene: MYCBP2 (MYC binding protein 2; minus strand). Cytogenetic location: 13q22.3.
Variant type: single nucleotide variant.
Coding change: c.5539A>T on transcript NM_015057.5 (MANE Select); coding-DNA position 5539, A replaced by T.
Protein change: p.Met1847Leu; replaces methionine 1847 with leucine.
Molecular consequence: missense variant.
Genome position (GRCh38, 1-based): chr13:77,174,423, T>A on the plus strand (A>T on the coding strand, the complement: MYCBP2 is on the minus strand). VCF-style: chr13-77174423-T-A. GRCh37 (hg19) VCF-style: chr13-77748558-T-A.
Other names: short protein forms M1847L.
Identifiers: ClinVar variation 3764474 (VCV003764474.1).